The following is an entry in ClinVar:

ClinVar aggregate classification (germline): Uncertain significance. Review status: criteria provided, multiple submitters, no conflicts (2 of 4 stars). 3 submissions from 3 submitters: Uncertain significance (3). Last evaluated 2025-10-19.

Conditions:
Inborn genetic diseases. Identifiers: MedGen C0950123, MeSH D030342.
Amyotrophic lateral sclerosis type 6. Also called: Amyotrophic lateral sclerosis 6, with or without frontotemporal dementia; FUS-Related Amyotrophic Laterial Sclerosis; AMYOTROPHIC LATERAL SCLEROSIS 6 WITHOUT FRONTOTEMPORAL DEMENTIA. Identifiers: Orphanet 275872, Orphanet 803, MedGen C2931786, MONDO:0011951, OMIM 608030.
Tremor, hereditary essential, 4 (ETM4). Identifiers: MedGen C3539195, MONDO:0013888, OMIM 614782.

Allele frequency attached by ClinVar (database versions not stated): gnomAD exomes below 0.00001; TOPMed below 0.00001; ExAC 0.00001; gnomAD 0.00001; ESP Exome Variant Server 0.00008.
gnomAD v4.1: 6 of 1,614,044 alleles (0.00037%); highest among the groups gnomAD compares: African/African-American, 0.0027%; no homozygotes.

Submissions (3):

Labcorp Genetics (formerly Invitae), Labcorp
Classification: Uncertain significance for Tremor, hereditary essential, 4; Amyotrophic lateral sclerosis type 6. Last evaluated: 2025-10-19. Review status: criteria provided, single submitter. Criteria: Invitae Variant Classification Sherloc (09022015). Collection method: clinical testing. Allele origin: germline.
Comment: This sequence change replaces proline, which is neutral and non-polar, with serine, which is neutral and polar, at codon 152 of the FUS protein (p.Pro152Ser). This variant is present in population databases (rs376583452, gnomAD 0.008%). This variant has not been reported in the literature in individuals affected with FUS-related conditions. ClinVar contains an entry for this variant (Variation ID: 1741417). Experimental studies and prediction algorithms are not available or were not evaluated, and the functional significance of this variant is currently unknown. In summary, the available evidence is currently insufficient to determine the role of this variant in disease. Therefore, it has been classified as a Variant of Uncertain Significance.

Mayo Clinic Laboratories, Mayo Clinic
Classification: Uncertain significance. Last evaluated: 2025-10-07. Review status: criteria provided, single submitter. Criteria: ACMG Guidelines, 2015. Collection method: clinical testing. Allele origin: germline. Observed: 1 variant allele.

Ambry Genetics
Classification: Uncertain significance for Inborn genetic diseases. Last evaluated: 2022-06-22. Review status: criteria provided, single submitter. Criteria: Ambry Variant Classification Scheme 2023. Collection method: clinical testing. Allele origin: germline.
Comment: The p.P152S variant (also known as c.454C>T), located in coding exon 5 of the FUS gene, results from a C to T substitution at nucleotide position 454. The proline at codon 152 is replaced by serine, an amino acid with similar properties. This amino acid position is well conserved in available vertebrate species. In addition, the in silico prediction for this alteration is inconclusive. Since supporting evidence is limited at this time, the clinical significance of this alteration remains unclear.

NM_004960.4(FUS):c.454C>T (p.Pro152Ser)

Gene: FUS (FUS RNA binding protein; plus strand). Cytogenetic location: 16p11.2.
Variant type: single nucleotide variant.
Coding change: c.454C>T on transcript NM_004960.4 (MANE Select); coding-DNA position 454, C replaced by T.
Protein change: p.Pro152Ser; replaces proline 152 with serine.
Molecular consequence: missense variant. On other transcripts: non-coding transcript variant (1).
Genome position (GRCh38, 1-based): chr16:31,184,327, C>T. VCF-style: chr16-31184327-C-T. GRCh37 (hg19) VCF-style: chr16-31195648-C-T.
Other names: p.Pro152Ser; c.451C>T, p.Pro151Ser (NM_001170634.1); c.454C>T, p.Pro152Ser (NM_001170937.1); short protein forms P151S, P152S.
Identifiers: ClinVar variation 1741417 (VCV001741417.4), dbSNP rs376583452, ClinGen allele CA8023626.
Genomic context (GRCh38, chr16:31,184,327, plus strand): 5'-CAGCAGCCTAGCTATGGTGGACAGCAGCAAAGCTATGGACAGCAGCAAAGCTATAATCCC[C>T]CTCAGGGCTATGGACAGCAGAACCAGTACAACAGCAGCAGTGGTGGTGGAGGTGGAGGTG-3'
Protein context (NP_004951.1, residues 142-162): SYGQQQSYNP[Pro152Ser]QGYGQQNQYN